The following is an entry in ClinVar:

ClinVar aggregate classification (germline): Conflicting classifications of pathogenicity. Review status: criteria provided, conflicting classifications (1 of 4 stars). 7 submissions from 7 submitters: Uncertain significance (2); Likely benign (4). 1 of the submissions does not count toward it. Last evaluated 2025-10-13.

Conditions:
ASPM-related disorder. Also called: ASPM-related condition.
Inborn genetic diseases. Identifiers: MedGen C0950123, MeSH D030342.
Microcephaly 5, primary, autosomal recessive (MCPH5). Also called: ASPM Primary Microcephaly. Identifiers: Orphanet 2512, MedGen C1837501, MONDO:0012106, OMIM 608716.

Allele frequency attached by ClinVar (database versions not stated): gnomAD exomes 0.00019 and 0.00046; ExAC 0.00055; 1000 Genomes Project 30x 0.00109; 1000 Genomes Project 0.00120; gnomAD 0.00192 and 0.00207; TOPMed 0.00228; ESP Exome Variant Server 0.00231.
gnomAD v4.1: 585 of 1,612,460 alleles (0.036%); highest among the groups gnomAD compares: African/African-American, 0.7%; 1 homozygote.

Submissions (7):

Labcorp Genetics (formerly Invitae), Labcorp
Classification: Likely benign. Last evaluated: 2025-10-13. Review status: criteria provided, single submitter. Criteria: Invitae Variant Classification Sherloc (09022015). Collection method: clinical testing. Allele origin: germline.

Ambry Genetics
Classification: Likely benign for Inborn genetic diseases. Last evaluated: 2021-09-01. Review status: criteria provided, single submitter. Criteria: Ambry Variant Classification Scheme 2023. Collection method: clinical testing. Allele origin: germline.

Revvity Omics, Revvity
Classification: Uncertain significance for Microcephaly 5, primary, autosomal recessive. Last evaluated: 2021-03-16. Review status: criteria provided, single submitter. Criteria: ACMG Guidelines, 2015. Collection method: clinical testing. Allele origin: germline.

GeneDx
Classification: Likely benign. Last evaluated: 2020-12-15. Review status: criteria provided, single submitter. Criteria: GeneDx Variant Classification Process June 2021. Collection method: clinical testing. Allele origin: germline. Affected: yes.

Eurofins Ntd Llc (ga)
Classification: Uncertain significance. Last evaluated: 2017-05-05. Review status: criteria provided, single submitter. Criteria: EGL Classification Definitions 2015. Collection method: clinical testing. Allele origin: germline. Observed: 1 variant allele, 1 homozygote.

Genetic Services Laboratory, University of Chicago
Classification: Likely benign. Last evaluated: 2016-07-07. Review status: criteria provided, single submitter. Criteria: ACMG Guidelines, 2015. Collection method: clinical testing. Allele origin: germline. Affected: no.

PreventionGenetics, part of Exact Sciences
Classification: Likely benign for ASPM-related condition. Last evaluated: 2019-10-15. Review status: no assertion criteria provided. Collection method: clinical testing. Allele origin: germline. Not counted in ClinVar's aggregate classification.
Comment: This variant is classified as likely benign based on ACMG/AMP sequence variant interpretation guidelines (Richards et al. 2015 PMID: 25741868, with internal and published modifications).

NM_018136.5(ASPM):c.8255T>G (p.Met2752Arg)

Gene: ASPM (assembly factor for spindle microtubules; minus strand). Cytogenetic location: 1q31.3.
Variant type: single nucleotide variant.
Coding change: c.8255T>G on transcript NM_018136.5 (MANE Select); coding-DNA position 8255, T replaced by G.
Protein change: p.Met2752Arg; replaces methionine 2752 with arginine.
Molecular consequence: missense variant. On other transcripts: intron variant (1).
Genome position (GRCh38, 1-based): chr1:197,100,996, A>C on the plus strand (T>G on the coding strand, the complement: ASPM is on the minus strand). VCF-style: chr1-197100996-A-C. GRCh37 (hg19) VCF-style: chr1-197070126-A-C.
Other names: c.4066-4832T>G (NM_001206846.2); short protein forms M2752R.
Identifiers: ClinVar variation 234260 (VCV000234260.26), dbSNP rs148328539, ClinGen allele CA1309254.